The following is an entry in ClinVar:

ClinVar aggregate classification (germline): Uncertain significance. Review status: criteria provided, multiple submitters, no conflicts (2 of 4 stars). 2 submissions from 2 submitters: Uncertain significance (2). Last evaluated 2026-08-18.

Conditions:
SEMA3D-related disorder. Also called: SEMA3D-related condition.

gnomAD v4.1: 1 of 1,613,898 alleles (0.000062%); highest among the groups gnomAD compares: African/African-American, 0.0013%; no homozygotes.

Submissions (2):

PreventionGenetics, part of Exact Sciences
Classification: Uncertain significance for SEMA3D-related condition. Last evaluated: 2026-08-18. Review status: criteria provided, single submitter. Criteria: ACMG Guidelines, 2015. Collection method: clinical testing. Allele origin: germline.
Comment: The SEMA3D c.1987T>C variant is predicted to result in the amino acid substitution p.Tyr663His. To our knowledge, this variant has not been reported in the literature or in a large population database (gnomAD), indicating this variant is rare. At this time, the clinical significance of this variant is uncertain due to the absence of conclusive functional and genetic evidence.

Ambry Genetics
Classification: Uncertain significance. Last evaluated: 2024-08-26. Review status: criteria provided, single submitter. Criteria: Ambry Variant Classification Scheme 2023. Collection method: clinical testing. Allele origin: germline.

NM_001384900.1(SEMA3D):c.1987T>C (p.Tyr663His)

Genes: SEMA3D (semaphorin 3D; minus strand), LOC126860094 (BRD4-independent group 4 enhancer GRCh37_chr7:84628763-84629962; plus strand). Cytogenetic location: 7q21.11.
Variant type: single nucleotide variant.
Coding change: c.1987T>C on transcript NM_001384900.1 (MANE Select); coding-DNA position 1987, T replaced by C.
Protein change: p.Tyr663His; replaces tyrosine 663 with histidine.
Molecular consequence: missense variant.
Genome position (GRCh38, 1-based): chr7:84,999,787, A>G on the plus strand (T>C on the coding strand, the complement: SEMA3D is on the minus strand). VCF-style: chr7-84999787-A-G. GRCh37 (hg19) VCF-style: chr7-84629103-A-G.
Other names: c.1987T>C, p.Tyr663His (NM_001384901.1, NM_001384902.1, NM_001384903.1 and 1 more transcripts); short protein forms Y663H.
Identifiers: ClinVar variation 3439430 (VCV003439430.2).
Genomic context (GRCh38, chr7:84,999,787, plus strand): 5'-CATTCAAAGTCAGCTTCACTATGGTGTGGATGAAAGTGTGCTCCTGGGCTTTGCAGTAAT[A>G]CATCCCAGAATCCTTCTTCTGCAAACTTCGAATCAGTAGCCCATATTCCGTTTTGATGAT-3'
Protein context (NP_001371829.1, residues 653-673): RSLQKKDSGM[Tyr663His]YCKAQEHTFI